The following is an entry in ClinVar:

NM_001031710.3(KLHL7):c.1503C>T (p.Tyr501=)

Gene: KLHL7 (kelch like family member 7; plus strand). Cytogenetic location: 7p15.3.
Variant type: single nucleotide variant.
Coding change: c.1503C>T on transcript NM_001031710.3 (MANE Select); coding-DNA position 1503, C replaced by T.
Protein change: p.Tyr501=; no amino-acid change (tyrosine 501 retained).
Molecular consequence: synonymous variant. On other transcripts: non-coding transcript variant (1).
Genome position (GRCh38, 1-based): chr7:23,174,040, C>T. VCF-style: chr7-23174040-C-T. GRCh37 (hg19) VCF-style: chr7-23213659-C-T.
Other names: c.1503C>T (NM_001031710.2); c.1359C>T, p.Tyr453= (NM_018846.5).
Identifiers: ClinVar variation 1648928 (VCV001648928.34), dbSNP rs147111813, ClinGen allele CA4186646.

ClinVar aggregate classification (germline): Likely benign. Review status: criteria provided, multiple submitters, no conflicts (2 of 4 stars). 4 submissions from 4 submitters: Likely benign (4). Last evaluated 2024-10-10.

Conditions:
KLHL7-related disorder. Also called: KLHL7-related condition; KLHL7-related disorders.

Allele frequency attached by ClinVar (database versions not stated): gnomAD exomes 0.00004 and 0.00006; gnomAD 0.00005 and 0.00007; TOPMed 0.00005; ExAC 0.00006; ESP Exome Variant Server 0.00015.
gnomAD v4.1: 70 of 1,613,838 alleles (0.0043%); highest among the groups gnomAD compares: African/African-American, 0.0067%; no homozygotes.

Submissions (4):

PreventionGenetics, part of Exact Sciences
Classification: Likely benign for KLHL7-related condition. Last evaluated: 2024-10-10. Review status: criteria provided, single submitter. Criteria: ACMG Guidelines, 2015. Collection method: clinical testing. Allele origin: germline.
Comment: This variant is classified as likely benign based on ACMG/AMP sequence variant interpretation guidelines (Richards et al. 2015 PMID: 25741868, with internal and published modifications).

Labcorp Genetics (formerly Invitae), Labcorp
Classification: Likely benign. Last evaluated: 2024-05-15. Review status: criteria provided, single submitter. Criteria: Invitae Variant Classification Sherloc (09022015). Collection method: clinical testing. Allele origin: germline.

CeGaT Center for Human Genetics Tuebingen
Classification: Likely benign. Last evaluated: 2022-04-01. Review status: criteria provided, single submitter. Criteria: CeGaT Center For Human Genetics Tuebingen Variant Classification Criteria Version 2. Collection method: clinical testing. Allele origin: germline. Affected: yes. Observed: 1 variant allele.
Comment: KLHL7: BP4, BP7

Blueprint Genetics
Classification: Likely benign. Last evaluated: 2022-02-25. Review status: criteria provided, single submitter. Criteria: ACMG Guidelines, 2015. Collection method: clinical testing. Allele origin: germline.